The following is an entry in ClinVar:

NM_017534.6(MYH2):c.705C>T (p.Asn235=)

Genes: MYHAS (myosin heavy chain gene cluster antisense RNA; plus strand), MYH2 (myosin heavy chain 2; minus strand), LOC126862501 (CDK7 strongly-dependent group 2 enhancer GRCh37_chr17:10446256-10447455; plus strand). Cytogenetic location: 17p13.1.
Variant type: single nucleotide variant.
Coding change: c.705C>T on transcript NM_017534.6 (MANE Select); coding-DNA position 705, C replaced by T.
Protein change: p.Asn235=; no amino-acid change (asparagine 235 retained).
Molecular consequence: synonymous variant.
Genome position (GRCh38, 1-based): chr17:10,543,747, G>A on the plus strand (C>T on the coding strand, the complement: MYH2 is on the minus strand). VCF-style: chr17-10543747-G-A. GRCh37 (hg19) VCF-style: chr17-10447064-G-A.
Other names: p.Asn235=; c.705C>T, p.Asn235= (NM_001100112.2).
Identifiers: ClinVar variation 704285 (VCV000704285.13), dbSNP rs201018335, ClinGen allele CA8391564.

ClinVar aggregate classification (germline): Likely benign. Review status: criteria provided, multiple submitters, no conflicts (2 of 4 stars). 3 submissions from 3 submitters: Likely benign (2). 1 of the submissions does not count toward it. Last evaluated 2025-07-22.

Conditions:
Myopathy, proximal, and ophthalmoplegia (CMYO6). Also called: CONGENITAL MYOPATHY 6 WITH OPHTHALMOPLEGIA; INCLUSION BODY MYOPATHY 3, AUTOSOMAL DOMINANT; MYOPATHY WITH CONGENITAL JOINT CONTRACTURES, OPHTHALMOPLEGIA, AND RIMMED VACUOLES. Identifiers: Orphanet 363677, Orphanet 79091, MedGen C1854106, MONDO:0011577, OMIM 605637.
MYH2-related disorder. Also called: MYH2-related condition.

Allele frequency attached by ClinVar (database versions not stated): ExAC 0.00002; gnomAD exomes 0.00003; gnomAD 0.00009; TOPMed 0.00009.
gnomAD v4.1: 57 of 1,614,050 alleles (0.0035%); highest among the groups gnomAD compares: African/African-American, 0.02%; no homozygotes.

Submissions (3):

Labcorp Genetics (formerly Invitae), Labcorp
Classification: Likely benign for Myopathy, proximal, and ophthalmoplegia. Last evaluated: 2025-07-22. Review status: criteria provided, single submitter. Criteria: Invitae Variant Classification Sherloc (09022015). Collection method: clinical testing. Allele origin: germline.

Mayo Clinic Laboratories, Mayo Clinic
Classification: Likely benign. Last evaluated: 2025-05-16. Review status: criteria provided, single submitter. Criteria: ACMG Guidelines, 2015. Collection method: clinical testing. Allele origin: germline. Observed: 1 variant allele.
Comment: BP4, BP7

PreventionGenetics, part of Exact Sciences
Classification: Likely benign for MYH2-related condition. Last evaluated: 2021-09-08. Review status: no assertion criteria provided. Collection method: clinical testing. Allele origin: germline. Not counted in ClinVar's aggregate classification.
Comment: This variant is classified as likely benign based on ACMG/AMP sequence variant interpretation guidelines (Richards et al. 2015 PMID: 25741868, with internal and published modifications).